The following is an entry in ClinVar:

NM_017570.5(OPLAH):c.1513A>G (p.Met505Val)

Gene: OPLAH (5-oxoprolinase, ATP-hydrolysing; minus strand). Cytogenetic location: 8q24.3.
Variant type: single nucleotide variant.
Coding change: c.1513A>G on transcript NM_017570.5 (MANE Select); coding-DNA position 1513, A replaced by G.
Protein change: p.Met505Val; replaces methionine 505 with valine.
Molecular consequence: missense variant.
Genome position (GRCh38, 1-based): chr8:144,057,230, T>C on the plus strand (A>G on the coding strand, the complement: OPLAH is on the minus strand). VCF-style: chr8-144057230-T-C. GRCh37 (hg19) VCF-style: chr8-145112133-T-C.
Other names: short protein forms M505V.
Identifiers: ClinVar variation 2188785 (VCV002188785.2), dbSNP rs782659965, ClinGen allele CA4931830.

ClinVar aggregate classification (germline): Uncertain significance (1 of 4 stars; one submission).

Conditions:
5-Oxoprolinase deficiency (OPLAHD). Also called: 5-OXOPROLINURIA DUE TO 5-OXOPROLINASE DEFICIENCY. Identifiers: Orphanet 33572, MedGen C0268525, MONDO:0009825, OMIM 260005, HP:0040142.

Allele frequency attached by ClinVar (database versions not stated): gnomAD 0.00001; gnomAD exomes 0.00002; TOPMed 0.00004; ExAC 0.00005.
gnomAD v4.1: 25 of 1,612,030 alleles (0.0016%); highest among the groups gnomAD compares: Admixed American, 0.023%; no homozygotes.

Submission:

Labcorp Genetics (formerly Invitae), Labcorp
Classification: Uncertain significance for 5-Oxoprolinase deficiency. Last evaluated: 2022-10-17. Review status: criteria provided, single submitter. Criteria: Invitae Variant Classification Sherloc (09022015). Collection method: clinical testing. Allele origin: germline.
Comment: In summary, the available evidence is currently insufficient to determine the role of this variant in disease. Therefore, it has been classified as a Variant of Uncertain Significance. Experimental studies and prediction algorithms are not available or were not evaluated, and the functional significance of this variant is currently unknown. This variant has not been reported in the literature in individuals affected with OPLAH-related conditions. This variant is present in population databases (rs782659965, gnomAD 0.03%). This sequence change replaces methionine, which is neutral and non-polar, with valine, which is neutral and non-polar, at codon 505 of the OPLAH protein (p.Met505Val).